The following is an entry in ClinVar:

ClinVar aggregate classification (germline): Uncertain significance. Review status: criteria provided, multiple submitters, no conflicts (2 of 4 stars). 2 submissions from 2 submitters: Uncertain significance (2). Last evaluated 2024-10-07.

Conditions:
Inborn genetic diseases. Identifiers: MedGen C0950123, MeSH D030342.
Neuronal ceroid lipofuscinosis. Also called: Neuronal Ceroid Lipofuscinoses. Identifiers: Orphanet 216, Orphanet 79263, MedGen C0027877, MONDO:0016295. Disease mechanism: loss of function.

Allele frequency attached by ClinVar (database versions not stated): gnomAD exomes below 0.00001 and 0.00001; TOPMed below 0.00001; ExAC 0.00002; ESP Exome Variant Server 0.00008.
gnomAD v4.1: 10 of 1,613,932 alleles (0.00062%); highest among the groups gnomAD compares: Non-Finnish European, 0.00085%; no homozygotes.

Submissions (2):

Ambry Genetics
Classification: Uncertain significance for Inborn genetic diseases. Last evaluated: 2024-10-07. Review status: criteria provided, single submitter. Criteria: Ambry Variant Classification Scheme 2023. Collection method: clinical testing. Allele origin: germline.

Labcorp Genetics (formerly Invitae), Labcorp
Classification: Uncertain significance for Neuronal ceroid lipofuscinosis. Last evaluated: 2022-11-01. Review status: criteria provided, single submitter. Criteria: Invitae Variant Classification Sherloc (09022015). Collection method: clinical testing. Allele origin: germline.
Comment: In summary, the available evidence is currently insufficient to determine the role of this variant in disease. Therefore, it has been classified as a Variant of Uncertain Significance. Algorithms developed to predict the effect of missense changes on protein structure and function are either unavailable or do not agree on the potential impact of this missense change (SIFT: "Tolerated"; PolyPhen-2: "Probably Damaging"; Align-GVGD: "Class C0"). ClinVar contains an entry for this variant (Variation ID: 854956). This variant has not been reported in the literature in individuals affected with CLN3-related conditions. This variant is present in population databases (rs140409296, gnomAD 0.002%). This sequence change replaces asparagine, which is neutral and polar, with serine, which is neutral and polar, at codon 93 of the CLN3 protein (p.Asn93Ser).

NM_001042432.2(CLN3):c.278A>G (p.Asn93Ser)

Gene: CLN3 (CLN3 lysosomal/endosomal transmembrane protein, battenin; minus strand). Cytogenetic location: 16p12.1.
Variant type: single nucleotide variant.
Coding change: c.278A>G on transcript NM_001042432.2 (MANE Select); coding-DNA position 278, A replaced by G.
Protein change: p.Asn93Ser; replaces asparagine 93 with serine.
Molecular consequence: missense variant. On other transcripts: intron variant (2).
Genome position (GRCh38, 1-based): chr16:28,488,607, T>C on the plus strand (A>G on the coding strand, the complement: CLN3 is on the minus strand). VCF-style: chr16-28488607-T-C. GRCh37 (hg19) VCF-style: chr16-28499928-T-C.
Other names: c.278A>G, p.Asn93Ser (NM_000086.2); c.58A>G, p.Thr20Ala (NM_001286105.2); c.116A>G, p.Asn39Ser (NM_001286110.2); c.60+683A>G (NM_001286109.2); c.222+683A>G (NM_001286104.2); short protein forms N39S, N93S, T20A.
Identifiers: ClinVar variation 854956 (VCV000854956.10), dbSNP rs140409296, ClinGen allele CA7981000.